The following is an entry in ClinVar:

NM_006030.4(CACNA2D2):c.146C>G (p.Pro49Arg)

Gene: CACNA2D2 (calcium voltage-gated channel auxiliary subunit alpha2delta 2; minus strand). Cytogenetic location: 3p21.31.
Variant type: single nucleotide variant.
Coding change: c.146C>G on transcript NM_006030.4 (MANE Select); coding-DNA position 146, C replaced by G.
Protein change: p.Pro49Arg; replaces proline 49 with arginine.
Molecular consequence: missense variant. On other transcripts: intron variant (1).
Genome position (GRCh38, 1-based): chr3:50,503,278, G>C on the plus strand (C>G on the coding strand, the complement: CACNA2D2 is on the minus strand). VCF-style: chr3-50503278-G-C. GRCh37 (hg19) VCF-style: chr3-50540709-G-C.
Other names: c.146C>G, p.Pro49Arg (NM_001005505.3, NM_001174051.3, NM_001410768.1); c.-2+791C>G (NM_001291101.1); short protein forms P49R.
Identifiers: ClinVar variation 2100059 (VCV002100059.4), dbSNP rs951683514, ClinGen allele CA353000286.

ClinVar aggregate classification (germline): Uncertain significance (1 of 4 stars; one submission).

Conditions:
Early-infantile DEE. Also called: Early infantile epileptic encephalopathy; Early infantile epileptic encephalopathy with suppression bursts; Ohtahara syndrome. Identifiers: Orphanet 1934, MedGen C0393706, MONDO:0800491.

gnomAD v4.1: 2 of 1,166,080 alleles (0.00017%); highest among the groups gnomAD compares: South Asian, 0.0043%; no homozygotes.

Submission:

Labcorp Genetics (formerly Invitae), Labcorp
Classification: Uncertain significance for Early-infantile DEE. Last evaluated: 2022-02-20. Review status: criteria provided, single submitter. Criteria: Invitae Variant Classification Sherloc (09022015). Collection method: clinical testing. Allele origin: germline.
Comment: In summary, the available evidence is currently insufficient to determine the role of this variant in disease. Therefore, it has been classified as a Variant of Uncertain Significance. Algorithms developed to predict the effect of missense changes on protein structure and function are either unavailable or do not agree on the potential impact of this missense change (SIFT: "Tolerated"; PolyPhen-2: "Not Available"; Align-GVGD: "Class C0"). This variant has not been reported in the literature in individuals affected with CACNA2D2-related conditions. This variant is not present in population databases (gnomAD no frequency). This sequence change replaces proline, which is neutral and non-polar, with arginine, which is basic and polar, at codon 49 of the CACNA2D2 protein (p.Pro49Arg).